The following is an entry in ClinVar:

NM_000038.6(APC):c.3642C>A (p.Ser1214Arg)

Gene: APC (APC regulator of Wnt signaling pathway; plus strand). Cytogenetic location: 5q22.2.
Variant type: single nucleotide variant.
Coding change: c.3642C>A on transcript NM_000038.6 (MANE Select); coding-DNA position 3642, C replaced by A.
Protein change: p.Ser1214Arg; replaces serine 1214 with arginine.
Molecular consequence: missense variant.
Genome position (GRCh38, 1-based): chr5:112,839,236, C>A. VCF-style: chr5-112839236-C-A. GRCh37 (hg19) VCF-style: chr5-112174933-C-A.
Other names: c.3642C>A, p.Ser1214Arg (NM_001127510.3, NM_001354895.2); c.3588C>A, p.Ser1196Arg (NM_001127511.3); c.3696C>A, p.Ser1232Arg (NM_001354896.2); c.3672C>A, p.Ser1224Arg (NM_001354897.2); c.3567C>A, p.Ser1189Arg (NM_001354898.2); c.3558C>A, p.Ser1186Arg (NM_001354899.2); c.3519C>A, p.Ser1173Arg (NM_001354900.2); c.3465C>A, p.Ser1155Arg (NM_001354901.2); and 5 more; short protein forms S1196R, S1214R, S1088R, S1189R, S931R, S1113R, S1173R, S1054R.
Identifiers: ClinVar variation 485150 (VCV000485150.7), dbSNP rs1554085201, ClinGen allele CA16029330.
Genomic context (GRCh38, chr5:112,839,236, plus strand): 5'-ATTTTCATTCTCAAAGAGTTCATCTGGACAAAGCAGTAAAACCGAACATATGTCTTCAAG[C>A]AGTGAGAATACGTCCACACCTTCATCTAATGCCAAGAGGCAGAATCAGCTCCATCCAAGT-3'
Protein context (NP_000029.2, residues 1204-1224): QSSKTEHMSS[Ser1214Arg]SENTSTPSSN

ClinVar aggregate classification (germline): Uncertain significance. Review status: criteria provided, multiple submitters, no conflicts (2 of 4 stars). 3 submissions from 3 submitters: Uncertain significance (3). Last evaluated 2024-07-29.

Conditions:
Familial adenomatous polyposis 1 (FAP1). Also called: FAMILIAL ADENOMATOUS POLYPOSIS 1, ATTENUATED; POLYPOSIS, ADENOMATOUS INTESTINAL. Identifiers: MedGen C2713442, MONDO:0021056, OMIM 175100. Disease mechanism: loss of function.
Classic or attenuated familial adenomatous polyposis. Identifiers: MedGen CN372698, MONDO:0021057.
Hereditary cancer-predisposing syndrome. Also called: Neoplastic Syndromes, Hereditary; Tumor predisposition; Hereditary Cancer Syndrome; Hereditary neoplastic syndrome. Identifiers: Orphanet 140162, MedGen C0027672, MeSH D009386, MONDO:0015356.

Allele frequency attached by ClinVar (database versions not stated): gnomAD exomes below 0.00001.
gnomAD v4.1: 1 of 1,614,174 alleles (0.000062%); highest among the groups gnomAD compares: Non-Finnish European, 0.000085%; no homozygotes.

Submissions (3):

All of Us Research Program, National Institutes of Health
Classification: Uncertain significance for Classic or attenuated familial adenomatous polyposis. Last evaluated: 2024-07-29. Review status: criteria provided, single submitter. Criteria: ACMG Guidelines, 2015. Collection method: clinical testing. Allele origin: germline. Inheritance: Autosomal dominant inheritance. Observed: 1 variant allele, 1 heterozygote.
Comment: This missense variant replaces serine with arginine at codon 1214 of the APC protein. Computational prediction suggests that this variant may not impact protein structure and function (internally defined REVEL score threshold <= 0.5, PMID: 27666373). To our knowledge, functional studies have not been reported for this variant. This variant has not been reported in individuals affected with APC-related disorders in the literature. This variant has not been identified in the general population by the Genome Aggregation Database (gnomAD). The available evidence is insufficient to determine the role of this variant in disease conclusively. Therefore, this variant is classified as a Variant of Uncertain Significance.

This study involves interpretation of variants in research participants for the purpose of population health screening. Participant phenotype was not available at the time of variant classification. Additional details can be found in publication PMID: 35346344, PMCID: PMC8962531

Baylor Genetics
Classification: Uncertain significance for Familial adenomatous polyposis 1. Last evaluated: 2023-11-19. Review status: criteria provided, single submitter. Criteria: ACMG Guidelines, 2015. Collection method: clinical testing. Allele origin: unknown.

Ambry Genetics
Classification: Uncertain significance for Hereditary cancer-predisposing syndrome. Last evaluated: 2019-04-25. Review status: criteria provided, single submitter. Criteria: Ambry Variant Classification Scheme 2023. Collection method: clinical testing. Allele origin: germline.
Comment: The p.S1214R variant (also known as c.3642C>A), located in coding exon 15 of the APC gene, results from a C to A substitution at nucleotide position 3642. The serine at codon 1214 is replaced by arginine, an amino acid with dissimilar properties. This amino acid position is well conserved in available vertebrate species. In addition, in silico predictors for this gene do not accurately predict pathogenicity. Since supporting evidence is limited at this time, the clinical significance of this alteration remains unclear.